The following is an entry in ClinVar:

ClinVar aggregate classification (germline): Likely benign. Review status: criteria provided, multiple submitters, no conflicts (2 of 4 stars). 3 submissions from 3 submitters: Likely benign (2). 1 of the submissions does not count toward it. Last evaluated 2026-01-12.

Conditions:
FREM2-related disorder. Also called: FREM2-related condition.
Isolated cryptophthalmia. Also called: Cryptophthalmos, unilateral or bilateral, isolated; ANKYLOBLEPHARON, SIMPLE. Identifiers: Orphanet 91396, MedGen C1852453, MONDO:0007410, OMIM 123570.
Fraser syndrome 2 (FRASRS2). Identifiers: MedGen C4540036, MONDO:0054738, OMIM 617666.

Allele frequency attached by ClinVar (database versions not stated): gnomAD exomes 0.00001 and 0.00004; ExAC 0.00005; 1000 Genomes Project 30x 0.00016; gnomAD 0.00019 and 0.00021; 1000 Genomes Project 0.00020; TOPMed 0.00020; ESP Exome Variant Server 0.00038.
gnomAD v4.1: 46 of 1,613,006 alleles (0.0029%); highest among the groups gnomAD compares: African/African-American, 0.06%; no homozygotes.

Submissions (3):

Labcorp Genetics (formerly Invitae), Labcorp
Classification: Likely benign. Last evaluated: 2026-01-12. Review status: criteria provided, single submitter. Criteria: Invitae Variant Classification Sherloc (09022015). Collection method: clinical testing. Allele origin: germline.

Fulgent Genetics
Classification: Likely benign for Isolated cryptophthalmia; Fraser syndrome 2. Last evaluated: 2021-12-30. Review status: criteria provided, single submitter. Criteria: ACMG Guidelines, 2015. Collection method: clinical testing. Allele origin: unknown.

PreventionGenetics, part of Exact Sciences
Classification: Likely benign for FREM2-related condition. Last evaluated: 2024-02-07. Review status: no assertion criteria provided. Collection method: clinical testing. Allele origin: germline. Not counted in ClinVar's aggregate classification.
Comment: This variant is classified as likely benign based on ACMG/AMP sequence variant interpretation guidelines (Richards et al. 2015 PMID: 25741868, with internal and published modifications).

NM_207361.6(FREM2):c.9007-8C>T

Gene: FREM2 (FRAS1 related extracellular matrix 2; plus strand). Cytogenetic location: 13q13.3.
Variant type: single nucleotide variant.
Coding change: c.9007-8C>T on transcript NM_207361.6 (MANE Select); 8 bases into the intron before coding-DNA position 9007, C replaced by T.
Molecular consequence: intron variant.
Genome position (GRCh38, 1-based): chr13:38,880,276, C>T. VCF-style: chr13-38880276-C-T. GRCh37 (hg19) VCF-style: chr13-39454413-C-T.
Identifiers: ClinVar variation 742112 (VCV000742112.9), dbSNP rs374741888, ClinGen allele CA6956290.